The following is an entry in ClinVar:

ClinVar aggregate classification (germline): Pathogenic (1 of 4 stars; one submission).

Conditions:
Primary ciliary dyskinesia. Also called: Ciliary dyskinesia. Identifiers: Orphanet 244, MedGen C0008780, MONDO:0016575, HP:0012265.

Submission:

Labcorp Genetics (formerly Invitae), Labcorp
Classification: Pathogenic for Primary ciliary dyskinesia. Last evaluated: 2022-04-16. Review status: criteria provided, single submitter. Criteria: Invitae Variant Classification Sherloc (09022015). Collection method: clinical testing. Allele origin: germline.
Comment: For these reasons, this variant has been classified as Pathogenic. ClinVar contains an entry for this variant (Variation ID: 963405). This variant has not been reported in the literature in individuals affected with DNAI1-related conditions. This variant is not present in population databases (gnomAD no frequency). This sequence change creates a premature translational stop signal (p.His634Profs*16) in the DNAI1 gene. It is expected to result in an absent or disrupted protein product. Loss-of-function variants in DNAI1 are known to be pathogenic (PMID: 16858015, 29363216).

Literature cited by the submitters: PubMed 16858015; PubMed 29363216.

NM_012144.4(DNAI1):c.1900dup (p.His634fs)

Gene: DNAI1 (dynein axonemal intermediate chain 1; plus strand). Cytogenetic location: 9p13.3.
Variant type: Duplication.
Coding change: c.1900dup on transcript NM_012144.4 (MANE Select); coding-DNA position 1900, one base duplicated (C; older notation c.1900dupC).
Protein change: p.His634fs; shifts the reading frame from histidine 634.
Molecular consequence: frameshift variant.
Genome position (GRCh38, 1-based): chr9:34,517,366, C duplicated; the last of 3 consecutive C bases (chr9:34,517,364-34,517,366); duplicating any one gives the same sequence. VCF-style (leftmost placement, unchanged base first): chr9-34517363-A-AC. GRCh37 (hg19) VCF-style: chr9-34517361-A-AC.
Other names: c.1912dup, p.His638fs (NM_001281428.2); short protein forms H634fs, H638fs.
Identifiers: ClinVar variation 963405 (VCV000963405.8), dbSNP rs1825189052, ClinGen allele CA1139660962.